The following is an entry in ClinVar:

NM_016604.4(KDM3B):c.1572C>G (p.Asn524Lys)

Gene: KDM3B (lysine demethylase 3B; plus strand). Cytogenetic location: 5q31.2.
Variant type: single nucleotide variant.
Coding change: c.1572C>G on transcript NM_016604.4 (MANE Select); coding-DNA position 1572, C replaced by G.
Protein change: p.Asn524Lys; replaces asparagine 524 with lysine.
Molecular consequence: missense variant.
Genome position (GRCh38, 1-based): chr5:138,391,204, C>G. VCF-style: chr5-138391204-C-G. GRCh37 (hg19) VCF-style: chr5-137726893-C-G.
Other names: short protein forms N524K.
Identifiers: ClinVar variation 3377966 (VCV003377966.1).
Genomic context (GRCh38, chr5:138,391,204, plus strand): 5'-CTTCTCTTTTGGCTGTAGCTCTGCACAAGAGGCACAGAAAGACACTGATCTCTCCAAAAA[C>G]TTGTTTTTTCAATGCATGTCCCAAACTTTACCTACCAGTAACTACTTCACTACTGTTTCA-3'
Protein context (NP_057688.3, residues 514-534): EAQKDTDLSK[Asn524Lys]LFFQCMSQTL

ClinVar aggregate classification (germline): Uncertain significance (1 of 4 stars; one submission).

Submission:

GeneDx
Classification: Uncertain significance. Last evaluated: 2024-05-16. Review status: criteria provided, single submitter. Criteria: GeneDx Variant Classification Process June 2021. Collection method: clinical testing. Allele origin: germline. Affected: yes.
Comment: Not observed at significant frequency in large population cohorts (gnomAD); In silico analysis indicates that this missense variant does not alter protein structure/function; Has not been previously published as pathogenic or benign to our knowledge